The following is an entry in ClinVar:

NM_017491.5(WDR1):c.1561G>A (p.Gly521Ser)

Gene: WDR1 (WD repeat domain 1; minus strand). Cytogenetic location: 4p16.1.
Variant type: single nucleotide variant.
Coding change: c.1561G>A on transcript NM_017491.5 (MANE Select); coding-DNA position 1561, G replaced by A.
Protein change: p.Gly521Ser; replaces glycine 521 with serine.
Molecular consequence: missense variant.
Genome position (GRCh38, 1-based): chr4:10,077,761, C>T on the plus strand (G>A on the coding strand, the complement: WDR1 is on the minus strand). VCF-style: chr4-10077761-C-T. GRCh37 (hg19) VCF-style: chr4-10079385-C-T.
Other names: c.1141G>A, p.Gly381Ser (NM_005112.5); short protein forms G381S, G521S.
Identifiers: ClinVar variation 1058658 (VCV001058658.5), dbSNP rs756547505, ClinGen allele CA2857532.

ClinVar aggregate classification (germline): Uncertain significance (1 of 4 stars; one submission).

Allele frequency attached by ClinVar (database versions not stated): gnomAD 0.00001; gnomAD exomes 0.00001; TOPMed 0.00001; ExAC 0.00005.
gnomAD v4.1: 10 of 1,586,896 alleles (0.00063%); highest among the groups gnomAD compares: South Asian, 0.0023%; no homozygotes.

Submission:

Labcorp Genetics (formerly Invitae), Labcorp
Classification: Uncertain significance. Last evaluated: 2020-10-07. Review status: criteria provided, single submitter. Criteria: Invitae Variant Classification Sherloc (09022015). Collection method: clinical testing. Allele origin: germline.
Comment: This variant is present in population databases (rs756547505, ExAC 0.02%). This sequence change replaces glycine with serine at codon 521 of the WDR1 protein (p.Gly521Ser). The glycine residue is moderately conserved and there is a small physicochemical difference between glycine and serine. In summary, the available evidence is currently insufficient to determine the role of this variant in disease. Therefore, it has been classified as a Variant of Uncertain Significance. Algorithms developed to predict the effect of sequence changes on RNA splicing suggest that this variant may create or strengthen a splice site, but this prediction has not been confirmed by published transcriptional studies. Algorithms developed to predict the effect of missense changes on protein structure and function (SIFT, PolyPhen-2, Align-GVGD) all suggest that this variant is likely to be tolerated, but these predictions have not been confirmed by published functional studies and their clinical significance is uncertain. This variant has not been reported in the literature in individuals with WDR1-related conditions.